The following is an entry in ClinVar:

NM_000722.4(CACNA2D1):c.2861C>G (p.Thr954Arg)

Gene: CACNA2D1 (calcium voltage-gated channel auxiliary subunit alpha2delta 1; minus strand). Cytogenetic location: 7q21.11.
Variant type: single nucleotide variant.
Coding change: c.2861C>G on transcript NM_000722.4 (MANE Select); coding-DNA position 2861, C replaced by G.
Protein change: p.Thr954Arg; replaces threonine 954 with arginine.
Molecular consequence: missense variant.
Genome position (GRCh38, 1-based): chr7:81,961,999, G>C on the plus strand (C>G on the coding strand, the complement: CACNA2D1 is on the minus strand). VCF-style: chr7-81961999-G-C. GRCh37 (hg19) VCF-style: chr7-81591315-G-C.
Other names: c.2897C>G, p.Thr966Arg (NM_001366867.1); short protein forms T954R, T966R.
Identifiers: ClinVar variation 1796963 (VCV001796963.2), dbSNP rs111888027, ClinGen allele CA367882402.
Genomic context (GRCh38, chr7:81,961,999, plus strand): 5'-TCGTTATCGAAGAAATACTGGGTTTGTTCAGTAATGCAGCTCTGCTTGGACAGGGAGGCC[G>C]TGAAGTCATCATCCTCCATCTCAACTTGGGTGGCGGGGGACGGTGTAAAAACAAAGAACA-3'
Protein context (NP_000713.2, residues 944-964): EAVEMEDDDF[Thr954Arg]ASLSKQSCIT

ClinVar aggregate classification (germline): Uncertain significance (1 of 4 stars; one submission).

Conditions:
Cardiovascular phenotype. Identifiers: MedGen CN230736.

Submission:

Ambry Genetics
Classification: Uncertain significance for Cardiovascular phenotype. Last evaluated: 2020-01-10. Review status: criteria provided, single submitter. Criteria: Ambry Variant Classification Scheme 2023. Collection method: clinical testing. Allele origin: germline.
Comment: The p.T954R variant (also known as c.2861C>G), located in coding exon 36 of the CACNA2D1 gene, results from a C to G substitution at nucleotide position 2861. The threonine at codon 954 is replaced by arginine, an amino acid with similar properties. This amino acid position is not well conserved in available vertebrate species. In addition, this alteration is predicted to be tolerated by in silico analysis. Since supporting evidence is limited at this time, the clinical significance of this alteration remains unclear.